The following is an entry in ClinVar:

NM_014140.4(SMARCAL1):c.2305C>T (p.Gln769Ter)

Gene: SMARCAL1 (SNF2 related chromatin remodeling annealing helicase 1; plus strand). Cytogenetic location: 2q35.
Variant type: single nucleotide variant.
Coding change: c.2305C>T on transcript NM_014140.4 (MANE Select); coding-DNA position 2305, C replaced by T.
Protein change: p.Gln769Ter; replaces glutamine 769 with a stop codon.
Molecular consequence: nonsense.
Genome position (GRCh38, 1-based): chr2:216,475,329, C>T. VCF-style: chr2-216475329-C-T. GRCh37 (hg19) VCF-style: chr2-217340052-C-T.
Other names: c.2305C>T, p.Gln769Ter (NM_001127207.2); short protein forms Q769*.
Identifiers: ClinVar variation 4830163 (VCV004830163.1).
Genomic context (GRCh38, chr2:216,475,329, plus strand): 5'-CACGTGCAGCACATCCGCATCGATGGCTCCACCTCATCAGCTGAGCGGGAGGACCTGTGC[C>T]AGCAGTTCCAACTGTCGGAGAGGCATGCTGTGGCCGTGCTGTCCATCACCGCTGCCAATA-3'

ClinVar aggregate classification (germline): Pathogenic (1 of 4 stars; one submission).

Conditions:
Inborn genetic diseases. Identifiers: MedGen C0950123, MeSH D030342.

Submission:

Ambry Genetics
Classification: Pathogenic for Inborn genetic diseases. Last evaluated: 2025-12-26. Review status: criteria provided, single submitter. Criteria: Ambry Variant Classification Scheme 2023. Collection method: clinical testing. Allele origin: germline.
Comment: The c.2305C>T (p.Q769*) alteration, located in exon 15 (coding exon 13) of the SMARCAL1 gene, consists of a C to T substitution at nucleotide position 2305. This changes the amino acid from a glutamine (Q) to a stop codon at amino acid position 769. This alteration is expected to result in loss of function by premature protein truncation or nonsense-mediated mRNA decay. This variant was not reported in population-based cohorts in the Genome Aggregation Database (gnomAD). Based on the available evidence, this alteration is classified as pathogenic.